The following is an entry in ClinVar:

ClinVar aggregate classification (germline): Uncertain significance. Review status: reviewed by expert panel (3 of 4 stars). 3 submissions from 3 submitters: Uncertain significance (1). 2 of the submissions do not count toward it. Last evaluated 2024-09-25.

Conditions:
Hereditary thrombocytopenia and hematologic cancer predisposition syndrome. Identifiers: Orphanet 71290, MedGen CN281654, MONDO:0011071.
Hereditary thrombocytopenia and hematological cancer predisposition syndrome associated with RUNX1. Also called: Familial Platelet Disorder with Propensity to Acute Myelogenous Leukemia; Familial thrombocytopenia with propensity to acute myelogenous leukemia; RUNX1 Familial Platelet Disorder with Associated Myeloid Malignancies; PLATELET DISORDER, ASPIRIN-LIKE. Identifiers: Orphanet 71290, MedGen C1832388, MeSH C563324, MONDO:0100083, OMIM 601399.
Inborn genetic diseases. Identifiers: MedGen C0950123, MeSH D030342.

Submissions (3):

ClinGen Myeloid Malignancy Variant Curation Expert Panel
Classification: Uncertain significance for Hereditary thrombocytopenia and hematologic cancer predisposition syndrome. Last evaluated: 2024-09-25. Review status: reviewed by expert panel. Criteria: ClinGen MyeloMalig ACMG Specifications v2. Collection method: curation. Allele origin: germline. Inheritance: Autosomal dominant inheritance.
Comment: NM_001754.5(RUNX1):c.368A>G (p.Asp123Gly) is a missense variant which is completely absent from gnomAD 2.1.1 with at least 20x coverage for RUNX1 (PM2_supporting). This variant is located within the Runt Homology domain (AA 89-204), but does not occur in an established hotspot residue (PM1_supporting). Additionally, this variant has a REVEL score of 0.92, which is above the 0.88 threshold (PP3). In summary, the clinical significance of this variant is uncertain. ACMG/AMP criteria applied, as specified by the Myeloid Malignancy Variant Curation Expert Panel for RUNX1: PP3, PM1_supporting, PM2_supporting.

Ambry Genetics
Classification: Uncertain significance for Inborn genetic diseases. Last evaluated: 2025-11-11. Review status: criteria provided, single submitter. Criteria: Ambry Variant Classification Scheme 2023. Collection method: clinical testing. Allele origin: germline. Not counted in ClinVar's aggregate classification.
Comment: The p.D123G variant (also known as c.368A>G), located in coding exon 4 of the RUNX1 gene, results from an A to G substitution at nucleotide position 368. The aspartic acid at codon 123 is replaced by glycine, an amino acid with similar properties. This amino acid position is conserved. In addition, this alteration is predicted to be deleterious by in silico analysis. Based on the available evidence, the clinical significance of this variant remains unclear.

Labcorp Genetics (formerly Invitae), Labcorp
Classification: Uncertain significance for Hereditary thrombocytopenia and hematological cancer predisposition syndrome associated with RUNX1. Last evaluated: 2022-08-09. Review status: criteria provided, single submitter. Criteria: Invitae Variant Classification Sherloc (09022015). Collection method: clinical testing. Allele origin: germline. Not counted in ClinVar's aggregate classification.
Comment: Algorithms developed to predict the effect of missense changes on protein structure and function are either unavailable or do not agree on the potential impact of this missense change (SIFT: "Tolerated"; PolyPhen-2: "Probably Damaging"; Align-GVGD: "Class C0"). In summary, the available evidence is currently insufficient to determine the role of this variant in disease. Therefore, it has been classified as a Variant of Uncertain Significance. This sequence change replaces aspartic acid, which is acidic and polar, with glycine, which is neutral and non-polar, at codon 123 of the RUNX1 protein (p.Asp123Gly). This variant is not present in population databases (gnomAD no frequency). This variant has not been reported in the literature in individuals affected with RUNX1-related conditions. ClinVar contains an entry for this variant (Variation ID: 967043).

NM_001754.5(RUNX1):c.368A>G (p.Asp123Gly)

Genes: RUNX1 (RUNX family transcription factor 1; minus strand), RUNX1-AS1 (RUNX1 antisense RNA 1; plus strand). Cytogenetic location: 21q22.12.
Variant type: single nucleotide variant.
Coding change: c.368A>G on transcript NM_001754.5 (MANE Select); coding-DNA position 368, A replaced by G.
Protein change: p.Asp123Gly; replaces aspartic acid 123 with glycine.
Molecular consequence: missense variant.
Genome position (GRCh38, 1-based): chr21:34,880,697, T>C on the plus strand (A>G on the coding strand, the complement: RUNX1 is on the minus strand). VCF-style: chr21-34880697-T-C. GRCh37 (hg19) VCF-style: chr21-36252994-T-C.
Other names: NM_001754.5(RUNX1):c.368A>G; p.Asp123Gly; c.287A>G, p.Asp96Gly (NM_001001890.3, NM_001122607.2); short protein forms D123G, D96G.
Identifiers: ClinVar variation 967043 (VCV000967043.12), dbSNP rs2057889754, ClinGen allele CA410202761.